The following is an entry in ClinVar:

ClinVar aggregate classification (germline): Uncertain significance (1 of 4 stars; one submission).

Submission:

Ambry Genetics
Classification: Uncertain significance. Last evaluated: 2025-01-22. Review status: criteria provided, single submitter. Criteria: Ambry Variant Classification Scheme 2023. Collection method: clinical testing. Allele origin: germline.
Comment: The p.P284T variant (also known as c.850C>A), located in coding exon 6 of the RECQL gene, results from a C to A substitution at nucleotide position 850. The proline at codon 284 is replaced by threonine, an amino acid with highly similar properties. This amino acid position is conserved. In addition, this alteration is predicted to be tolerated by in silico analysis. Based on the available evidence, the clinical significance of this variant remains unclear.

NM_002907.4(RECQL):c.850C>A (p.Pro284Thr)

Gene: RECQL (RecQ like helicase; minus strand). Cytogenetic location: 12p12.1.
Variant type: single nucleotide variant.
Coding change: c.850C>A on transcript NM_002907.4 (MANE Select); coding-DNA position 850, C replaced by A.
Protein change: p.Pro284Thr; replaces proline 284 with threonine.
Molecular consequence: missense variant.
Genome position (GRCh38, 1-based): chr12:21,477,820, G>T on the plus strand (C>A on the coding strand, the complement: RECQL is on the minus strand). VCF-style: chr12-21477820-G-T. GRCh37 (hg19) VCF-style: chr12-21630754-G-T.
Other names: c.850C>A, p.Pro284Thr (NM_032941.3); short protein forms P284T.
Identifiers: ClinVar variation 3787909 (VCV003787909.1).
Genomic context (GRCh38, chr12:21,477,820, plus strand): 5'-TAATTCTTCACAAAAGTAAGGAATTGACATAAAAATTACATACCTCATAATATAGATTTG[G>T]CCTATTAAAAGAAGCTGTAAAAGTAAAACACTTTTCAATGCACAAAATTTTCTGAGCATC-3'
Protein context (NP_002898.2, residues 274-294): CFTFTASFNR[Pro284Thr]NLYYEVRQKP